The following is an entry in ClinVar:

ClinVar aggregate classification (germline): Pathogenic. Review status: criteria provided, single submitter (1 of 4 stars). 2 submissions from 2 submitters: Pathogenic (1). 1 of the submissions does not count toward it. Last evaluated 2019-04-09.

Conditions:
Methylmalonic aciduria and homocystinuria type cblD (MAHCD). Also called: Methylmalonic aciduria with homocystinuria cblD type; METHYLMALONIC ACIDEMIA, cblH TYPE. Identifiers: Orphanet 622, Orphanet 79283, MedGen C1848552, MONDO:0010185, OMIM 277410.

Submissions (2):

Labcorp Genetics (formerly Invitae), Labcorp
Classification: Pathogenic for Methylmalonic aciduria and homocystinuria type cblD. Last evaluated: 2019-04-09. Review status: criteria provided, single submitter. Criteria: Invitae Variant Classification Sherloc (09022015). Collection method: clinical testing. Allele origin: germline.
Comment: This sequence change creates a premature translational stop signal (p.Cys153Metfs*10) in the MMADHC gene. It is expected to result in an absent or disrupted protein product. This variant is not present in population databases (ExAC no frequency). This variant has been observed in an individual affected with methylmalonic acidemia (PMID: 22156578). ClinVar contains an entry for this variant (Variation ID: 219002). Loss-of-function variants in MMADHC are known to be pathogenic (PMID: 18385497). For these reasons, this variant has been classified as Pathogenic.

GeneReviews
No classification provided. Condition: Methylmalonic aciduria and homocystinuria type cblD. Review status: no classification provided. Collection method: literature only. Allele origin: germline. Affected: yes. Not counted in ClinVar's aggregate classification.

Literature cited by the submitters: PubMed 22156578 (cited by Labcorp Genetics (formerly Invitae), Labcorp); PubMed 18385497 (cited by Labcorp Genetics (formerly Invitae), Labcorp); NCBI Bookshelf NBK1231 (cited by GeneReviews).

NM_015702.3(MMADHC):c.455dup (p.Cys153fs)

Gene: MMADHC (metabolism of cobalamin associated D; minus strand). Cytogenetic location: 2q23.2.
Variant type: Duplication.
Coding change: c.455dup on transcript NM_015702.3 (MANE Select); coding-DNA position 455, one base duplicated (C; older notation c.455dupC).
Protein change: p.Cys153fs; shifts the reading frame from cysteine 153.
Molecular consequence: frameshift variant.
Genome position (GRCh38, 1-based): chr2:149,576,460, G duplicated on the plus strand (C on the coding strand, the reverse complement: MMADHC is on the minus strand). VCF-style (leftmost placement, unchanged base first): chr2-149576459-T-TG. GRCh37 (hg19) VCF-style: chr2-150432973-T-TG.
Other names: Thr152fsTer162; c.455dup (NM_015702.2); short protein forms C153fs.
Identifiers: ClinVar variation 219002 (VCV000219002.11), dbSNP rs864309743, ClinGen allele CA347878.